The following is an entry in ClinVar:

NM_053025.4(MYLK):c.2806A>G (p.Lys936Glu)

Gene: MYLK (myosin light chain kinase; minus strand). Cytogenetic location: 3q21.1.
Variant type: single nucleotide variant.
Coding change: c.2806A>G on transcript NM_053025.4 (MANE Select); coding-DNA position 2806, A replaced by G.
Protein change: p.Lys936Glu; replaces lysine 936 with glutamic acid.
Molecular consequence: missense variant.
Genome position (GRCh38, 1-based): chr3:123,700,662, T>C on the plus strand (A>G on the coding strand, the complement: MYLK is on the minus strand). VCF-style: chr3-123700662-T-C. GRCh37 (hg19) VCF-style: chr3-123419509-T-C.
Other names: c.2278A>G, p.Lys760Glu (NM_001321309.2); c.2599A>G, p.Lys867Glu (NM_053026.4, NM_053028.4); c.2806A>G, p.Lys936Glu (NM_053027.4); short protein forms K760E, K867E, K936E.
Identifiers: ClinVar variation 3228903 (VCV003228903.1), dbSNP rs2061160125, ClinGen allele CA354231278.

ClinVar aggregate classification (germline): Uncertain significance (1 of 4 stars; one submission).

Conditions:
Familial thoracic aortic aneurysm and aortic dissection (TAAD). Also called: Thoracic aortic aneurysms and dissections. Identifiers: Orphanet 91387, MedGen C4707243, MONDO:0019625.

Allele frequency attached by ClinVar (database versions not stated): gnomAD exomes below 0.00001.
gnomAD v4.1: 1 of 1,614,148 alleles (0.000062%); highest among the groups gnomAD compares: African/African-American, 0.0013%; no homozygotes.

Submission:

Ambry Genetics
Classification: Uncertain significance for Familial thoracic aortic aneurysm and aortic dissection. Last evaluated: 2023-09-30. Review status: criteria provided, single submitter. Criteria: Ambry Variant Classification Scheme 2023. Collection method: clinical testing. Allele origin: germline.
Comment: The p.K936E variant (also known as c.2806A>G), located in coding exon 15 of the MYLK gene, results from an A to G substitution at nucleotide position 2806. The lysine at codon 936 is replaced by glutamic acid, an amino acid with similar properties. This amino acid position is conserved. In addition, the in silico prediction for this alteration is inconclusive. Since supporting evidence is limited at this time, the clinical significance of this alteration remains unclear.